The following is an entry in ClinVar:

NM_022336.4(EDAR):c.43G>A (p.Val15Ile)

Genes: EDAR (ectodysplasin A receptor; minus strand), RANBP2 (RAN binding protein 2; plus strand). Cytogenetic location: 2q13.
Variant type: single nucleotide variant.
Coding change: c.43G>A on transcript NM_022336.4 (MANE Select); coding-DNA position 43, G replaced by A.
Protein change: p.Val15Ile; replaces valine 15 with isoleucine.
Molecular consequence: missense variant.
Genome position (GRCh38, 1-based): chr2:108,930,972, C>T on the plus strand (G>A on the coding strand, the complement: EDAR is on the minus strand). VCF-style: chr2-108930972-C-T. GRCh37 (hg19) VCF-style: chr2-109547428-C-T.
Other names: short protein forms V15I.
Identifiers: ClinVar variation 463880 (VCV000463880.54), dbSNP rs151195196, ClinGen allele CA1825249.

ClinVar aggregate classification (germline): Conflicting classifications of pathogenicity. Review status: criteria provided, conflicting classifications (1 of 4 stars). 4 submissions from 4 submitters: Uncertain significance (1); Benign (1); Likely benign (1). 1 of the submissions does not count toward it. Last evaluated 2025-09-13.

Conditions:
Autosomal recessive hypohidrotic ectodermal dysplasia syndrome. Also called: Autosomal recessive hypohidrotic ectodermal dysplasia. Identifiers: Orphanet 248, MedGen C0406702, MONDO:0016619.
Ectodermal dysplasia 10A, hypohidrotic/hair/nail type, autosomal dominant (ECTD10A). Also called: Ectodermal Dysplasia 3, Anhidrotic. Identifiers: Orphanet 1810, Orphanet 238468, MedGen C3888065, MONDO:0007509, OMIM 129490.
Non-syndromic oligodontia.

Allele frequency attached by ClinVar (database versions not stated): gnomAD exomes 0.00065; ExAC 0.00087; 1000 Genomes Project 30x 0.00172; 1000 Genomes Project 0.00180; gnomAD 0.00235 and 0.00254; ESP Exome Variant Server 0.00238; TOPMed 0.00261.
gnomAD v4.1: 724 of 1,613,920 alleles (0.045%); highest among the groups gnomAD compares: African/African-American, 0.83%; 5 homozygotes.

Submissions (4):

Labcorp Genetics (formerly Invitae), Labcorp
Classification: Benign for Ectodermal dysplasia 10A, hypohidrotic/hair/nail type, autosomal dominant; Autosomal recessive hypohidrotic ectodermal dysplasia syndrome. Last evaluated: 2025-09-13. Review status: criteria provided, single submitter. Criteria: Invitae Variant Classification Sherloc (09022015). Collection method: clinical testing. Allele origin: germline.

Blueprint Genetics
Classification: Likely benign. Last evaluated: 2024-11-12. Review status: criteria provided, single submitter. Criteria: ACMG Guidelines, 2015. Collection method: clinical testing. Allele origin: germline.

GeneDx
Classification: Uncertain significance. Last evaluated: 2022-07-27. Review status: criteria provided, single submitter. Criteria: GeneDx Variant Classification Process June 2021. Collection method: clinical testing. Allele origin: germline. Affected: yes.
Comment: Missense variants in this gene are often considered pathogenic (HGMD); In silico analysis supports that this missense variant does not alter protein structure/function; This variant is associated with the following publications: (PMID: 33943035, 32906216)

Department of Prosthodontics, Peking University School and Hospital of Stomatology
Classification: Pathogenic for Non-syndromic oligodontia. Last evaluated: 2020-04-27. Review status: no assertion criteria provided. Collection method: clinical testing. Allele origin: inherited. Affected: yes. Not counted in ClinVar's aggregate classification.